The following is an entry in ClinVar:

ClinVar aggregate classification (germline): Uncertain significance (1 of 4 stars; one submission).

Conditions:
Cohen syndrome (COH1). Also called: Cutis verticis gyrata, retinitis pigmentosa, and sensorineural deafness; PEPPER SYNDROME. Identifiers: Orphanet 193, MedGen C0265223, MONDO:0008999, OMIM 216550.

Submission:

Labcorp Genetics (formerly Invitae), Labcorp
Classification: Uncertain significance for Cohen syndrome. Last evaluated: 2022-11-15. Review status: criteria provided, single submitter. Criteria: Invitae Variant Classification Sherloc (09022015). Collection method: clinical testing. Allele origin: germline.
Comment: In summary, the available evidence is currently insufficient to determine the role of this variant in disease. Therefore, it has been classified as a Variant of Uncertain Significance. Advanced modeling of protein sequence and biophysical properties (such as structural, functional, and spatial information, amino acid conservation, physicochemical variation, residue mobility, and thermodynamic stability) performed at Invitae indicates that this missense variant is not expected to disrupt VPS13B protein function. This variant has not been reported in the literature in individuals affected with VPS13B-related conditions. This variant is not present in population databases (gnomAD no frequency). This sequence change replaces alanine, which is neutral and non-polar, with valine, which is neutral and non-polar, at codon 2212 of the VPS13B protein (p.Ala2212Val).

NM_152564.5(VPS13B):c.6560C>T (p.Ala2187Val)

Gene: VPS13B (vacuolar protein sorting 13 homolog B; plus strand). Cytogenetic location: 8q22.2.
Variant type: single nucleotide variant.
Coding change: c.6560C>T on transcript NM_152564.5 (MANE Select); coding-DNA position 6560, C replaced by T.
Protein change: p.Ala2187Val; replaces alanine 2187 with valine.
Molecular consequence: missense variant.
Genome position (GRCh38, 1-based): chr8:99,717,276, C>T. VCF-style: chr8-99717276-C-T. GRCh37 (hg19) VCF-style: chr8-100729504-C-T.
Other names: c.6635C>T, p.Ala2212Val (NM_017890.5); short protein forms A2187V, A2212V.
Identifiers: ClinVar variation 2005404 (VCV002005404.4), dbSNP rs2491562096, ClinGen allele CA371867299.